The following is an entry in ClinVar:

NM_001184.4(ATR):c.2662G>A (p.Ala888Thr)

Gene: ATR (ATR checkpoint kinase; minus strand). Cytogenetic location: 3q23.
Variant type: single nucleotide variant.
Coding change: c.2662G>A on transcript NM_001184.4 (MANE Select); coding-DNA position 2662, G replaced by A.
Protein change: p.Ala888Thr; replaces alanine 888 with threonine.
Molecular consequence: missense variant.
Genome position (GRCh38, 1-based): chr3:142,553,370, C>T on the plus strand (G>A on the coding strand, the complement: ATR is on the minus strand). VCF-style: chr3-142553370-C-T. GRCh37 (hg19) VCF-style: chr3-142272212-C-T.
Other names: c.2470G>A, p.Ala824Thr (NM_001354579.2); short protein forms A888T, A824T.
Identifiers: ClinVar variation 1794466 (VCV001794466.2), dbSNP rs1559988588, ClinGen allele CA354814850.

ClinVar aggregate classification (germline): Uncertain significance (1 of 4 stars; one submission).

Conditions:
Inborn genetic diseases. Identifiers: MedGen C0950123, MeSH D030342.

Submission:

Ambry Genetics
Classification: Uncertain significance for Inborn genetic diseases. Last evaluated: 2022-03-27. Review status: criteria provided, single submitter. Criteria: Ambry Variant Classification Scheme 2023. Collection method: clinical testing. Allele origin: germline.
Comment: The p.A888T variant (also known as c.2662G>A), located in coding exon 13 of the ATR gene, results from a G to A substitution at nucleotide position 2662. The alanine at codon 888 is replaced by threonine, an amino acid with similar properties. This amino acid position is conserved. In addition, this alteration is predicted to be tolerated by in silico analysis. Since supporting evidence is limited at this time, the clinical significance of this alteration remains unclear.